The following is an entry in ClinVar:

NM_000044.6(AR):c.2347A>G (p.Ser783Gly)

Gene: AR (androgen receptor; plus strand). Cytogenetic location: Xq12.
Variant type: single nucleotide variant.
Coding change: c.2347A>G on transcript NM_000044.6 (MANE Select); coding-DNA position 2347, A replaced by G.
Protein change: p.Ser783Gly; replaces serine 783 with glycine.
Molecular consequence: missense variant.
Genome position (GRCh38, 1-based): chrX:67,721,861, A>G. VCF-style: chrX-67721861-A-G. GRCh37 (hg19) VCF-style: chrX-66941703-A-G.
Other names: c.751A>G, p.Ser251Gly (NM_001011645.3); short protein forms S251G, S783G.
Identifiers: ClinVar variation 3763778 (VCV003763778.2).

ClinVar aggregate classification (germline): Uncertain significance (1 of 4 stars; one submission).

Conditions:
Kennedy disease (SMAX1). Also called: SPINAL AND BULBAR MUSCULAR ATROPHY, X-LINKED 1; KENNEDY SPINAL AND BULBAR MUSCULAR ATROPHY; Spinal and Bulbar Muscular Atrophy. Identifiers: Orphanet 481, MedGen C1839259, MONDO:0010735, OMIM 313200.
Androgen resistance syndrome (AIS). Also called: ANDROGEN RECEPTOR DEFICIENCY; DIHYDROTESTOSTERONE RECEPTOR DEFICIENCY; TESTICULAR FEMINIZATION SYNDROME; Androgen insensitivity syndrome; Androgen insensitivity; DHTR DEFICIENCY. Identifiers: Orphanet 754, Orphanet 99429, MedGen C0039585, MONDO:0019154, OMIM 300068. Disease mechanism: loss of function.

gnomAD v4.1: 4 of 1,208,448 alleles (0.00033%); highest among the groups gnomAD compares: African/African-American, 0.0018%; no homozygotes.

Submission:

Labcorp Genetics (formerly Invitae), Labcorp
Classification: Uncertain significance for Kennedy disease; Androgen resistance syndrome. Last evaluated: 2024-04-29. Review status: criteria provided, single submitter. Criteria: Invitae Variant Classification Sherloc (09022015). Collection method: clinical testing. Allele origin: germline.
Comment: This sequence change replaces serine, which is neutral and polar, with glycine, which is neutral and non-polar, at codon 783 of the AR protein (p.Ser783Gly). This variant is present in population databases (rs761697885, gnomAD 0.003%), including at least one homozygous and/or hemizygous individual. This variant has not been reported in the literature in individuals affected with AR-related conditions. Advanced modeling of protein sequence and biophysical properties (such as structural, functional, and spatial information, amino acid conservation, physicochemical variation, residue mobility, and thermodynamic stability) has been performed at Invitae for this missense variant, however the output from this modeling did not meet the statistical confidence thresholds required to predict the impact of this variant on AR protein function. In summary, the available evidence is currently insufficient to determine the role of this variant in disease. Therefore, it has been classified as a Variant of Uncertain Significance.